The following is an entry in ClinVar:

ClinVar aggregate classification (germline): Uncertain significance. Review status: criteria provided, multiple submitters, no conflicts (2 of 4 stars). 4 submissions from 4 submitters: Uncertain significance (4). Last evaluated 2025-11-10.

Conditions:
Hereditary cancer-predisposing syndrome. Also called: Tumor predisposition; Neoplastic Syndromes, Hereditary; Hereditary neoplastic syndrome; Hereditary Cancer Syndrome. Identifiers: Orphanet 140162, MedGen C0027672, MeSH D009386, MONDO:0015356.
Ataxia-telangiectasia syndrome (AT). Also called: Ataxia-telangiectasia, complementation group D; AT, COMPLEMENTATION GROUP C; ATAXIA-TELANGIECTASIA, COMPLEMENTATION GROUP A; ATAXIA-TELANGIECTASIA, FRESNO VARIANT; Ataxia-telangiectasia; Ataxia telangiectasia (A-T). Identifiers: Orphanet 100, MedGen C0004135, MONDO:0008840, OMIM 208900.

Allele frequency attached by ClinVar (database versions not stated): gnomAD exomes below 0.00001.
gnomAD v4.1: 1 of 1,614,018 alleles (0.000062%); highest among the groups gnomAD compares: Non-Finnish European, 0.000085%; no homozygotes.

Submissions (4):

Ambry Genetics
Classification: Uncertain significance for Hereditary cancer-predisposing syndrome. Last evaluated: 2025-11-10. Review status: criteria provided, single submitter. Criteria: Ambry Variant Classification Scheme 2023. Collection method: clinical testing. Allele origin: germline.
Comment: The p.T2911S variant (also known as c.8732C>G), located in coding exon 59 of the ATM gene, results from a C to G substitution at nucleotide position 8732. The threonine at codon 2911 is replaced by serine, an amino acid with similar properties. This amino acid position is not well conserved in available vertebrate species. In addition, the in silico prediction for this alteration is inconclusive. Based on the available evidence, the clinical significance of this variant remains unclear.

Quest Diagnostics Nichols Institute San Juan Capistrano
Classification: Uncertain significance. Last evaluated: 2024-02-15. Review status: criteria provided, single submitter. Criteria: Quest Diagnostics criteria. Collection method: clinical testing. Allele origin: unknown.

Sema4
Classification: Uncertain significance for Hereditary cancer-predisposing syndrome. Last evaluated: 2022-02-28. Review status: criteria provided, single submitter. Criteria: Sema4 Curation Guidelines. Collection method: curation. Allele origin: germline.
Comment: The ATM c.8732C>G (p.T2911S) variant has been reported in heterozygosity in at least one individual with breast cancer (PMID: 33471991). This variant is not reported in the population database Genome Aggregation Database (PMID: 32461654). This variant has been reported in ClinVar (Variation ID: 962512). Functional studies have not been performed, and in silico predictions of the variant's effect on protein function are inconclusive. The evidence is insufficient to meet ACMG/AMP criteria for classifying the variant as benign or pathogenic. Thus, the clinical significance of this variant is currently uncertain.

Labcorp Genetics (formerly Invitae), Labcorp
Classification: Uncertain significance for Ataxia-telangiectasia syndrome. Last evaluated: 2021-11-05. Review status: criteria provided, single submitter. Criteria: Invitae Variant Classification Sherloc (09022015). Collection method: clinical testing. Allele origin: germline.
Comment: In summary, the available evidence is currently insufficient to determine the role of this variant in disease. Therefore, it has been classified as a Variant of Uncertain Significance. Algorithms developed to predict the effect of missense changes on protein structure and function output the following: SIFT: "Tolerated"; PolyPhen-2: "Benign"; Align-GVGD: "Class C0". The serine amino acid residue is found in multiple mammalian species, which suggests that this missense change does not adversely affect protein function. ClinVar contains an entry for this variant (Variation ID: 962512). This variant has not been reported in the literature in individuals affected with ATM-related conditions. This variant is not present in population databases (gnomAD no frequency). This sequence change replaces threonine, which is neutral and polar, with serine, which is neutral and polar, at codon 2911 of the ATM protein (p.Thr2911Ser).

Literature cited by the submitters: PubMed 33471991 (cited by Quest Diagnostics Nichols Institute San Juan Capistrano and Sema4); PubMed 26787654 (cited by Quest Diagnostics Nichols Institute San Juan Capistrano).

NM_000051.4(ATM):c.8732C>G (p.Thr2911Ser)

Genes: C11orf65 (chromosome 11 open reading frame 65; minus strand), ATM (ATM serine/threonine kinase; plus strand). Cytogenetic location: 11q22.3.
Variant type: single nucleotide variant.
Coding change: c.8732C>G on transcript NM_000051.4 (MANE Select); coding-DNA position 8732, C replaced by G.
Protein change: p.Thr2911Ser; replaces threonine 2911 with serine.
Molecular consequence: missense variant. On other transcripts: intron variant (2).
Genome position (GRCh38, 1-based): chr11:108,353,826, C>G. VCF-style: chr11-108353826-C-G. GRCh37 (hg19) VCF-style: chr11-108224553-C-G.
Other names: c.8732C>G, p.Thr2911Ser (NM_001351834.2); c.640+32094G>C (NM_001330368.2); c.695-18534G>C (NM_001351110.2); short protein forms T2911S.
Identifiers: ClinVar variation 962512 (VCV000962512.9), dbSNP rs794728018, ClinGen allele CA382523927.